The following is an entry in ClinVar:

ClinVar aggregate classification (germline): Uncertain significance (1 of 4 stars; one submission).

gnomAD v4.1: 2 of 1,613,066 alleles (0.00012%); highest among the groups gnomAD compares: African/African-American, 0.0013%; no homozygotes.

Submission:

Labcorp Genetics (formerly Invitae), Labcorp
Classification: Uncertain significance. Last evaluated: 2023-05-08. Review status: criteria provided, single submitter. Criteria: Invitae Variant Classification Sherloc (09022015). Collection method: clinical testing. Allele origin: germline.
Comment: ClinVar contains an entry for this variant (Variation ID: 2151424). This sequence change replaces alanine, which is neutral and non-polar, with threonine, which is neutral and polar, at codon 451 of the WFS1 protein (p.Ala451Thr). This variant is present in population databases (no rsID available, gnomAD 0.002%). This variant has not been reported in the literature in individuals affected with WFS1-related conditions. Advanced modeling of protein sequence and biophysical properties (such as structural, functional, and spatial information, amino acid conservation, physicochemical variation, residue mobility, and thermodynamic stability) has been performed at Invitae for this missense variant, however the output from this modeling did not meet the statistical confidence thresholds required to predict the impact of this variant on WFS1 protein function. In summary, the available evidence is currently insufficient to determine the role of this variant in disease. Therefore, it has been classified as a Variant of Uncertain Significance.

NM_006005.3(WFS1):c.1351G>A (p.Ala451Thr)

Gene: WFS1 (wolframin ER transmembrane glycoprotein; plus strand). Cytogenetic location: 4p16.1.
Variant type: single nucleotide variant.
Coding change: c.1351G>A on transcript NM_006005.3 (MANE Select); coding-DNA position 1351, G replaced by A.
Protein change: p.Ala451Thr; replaces alanine 451 with threonine.
Molecular consequence: missense variant.
Genome position (GRCh38, 1-based): chr4:6,301,146, G>A. VCF-style: chr4-6301146-G-A. GRCh37 (hg19) VCF-style: chr4-6302873-G-A.
Other names: c.1351G>A, p.Ala451Thr (NM_001145853.1); short protein forms A451T.
Identifiers: ClinVar variation 2151424 (VCV002151424.4), dbSNP rs1331237821, ClinGen allele CA356174734.
Genomic context (GRCh38, chr4:6,301,146, plus strand): 5'-GAGCTGGCTGTCATCACCGGCTTCTTTACCGTGACCAGCTACCTGAGCCTGAGCACCCAT[G>A]CAGAGCCCTACACGCGCAGGGCCCTGGCCACCGAGGTCACCGCCGGCCTGCTATCGCTGC-3'
Protein context (NP_005996.2, residues 441-461): VTSYLSLSTH[Ala451Thr]EPYTRRALAT